The following is an entry in ClinVar:

ClinVar aggregate classification (germline): Uncertain significance (1 of 4 stars; one submission).

Conditions:
Inborn genetic diseases. Identifiers: MedGen C0950123, MeSH D030342.

gnomAD v4.1: 1 of 1,611,342 alleles (0.000062%); highest among the groups gnomAD compares: Non-Finnish European, 0.000085%; no homozygotes.

Submission:

Ambry Genetics
Classification: Uncertain significance for Inborn genetic diseases. Last evaluated: 2026-08-29. Review status: criteria provided, single submitter. Criteria: Ambry Variant Classification Scheme 2023. Collection method: clinical testing. Allele origin: germline.
Comment: The p.Q912E variant (also known as c.2734C>G), located in coding exon 20 of the LTBP3 gene, results from a C to G substitution at nucleotide position 2734. The glutamine at codon 912 is replaced by glutamic acid, an amino acid with highly similar properties. This amino acid position is conserved. In addition, this alteration is predicted to be tolerated by in silico analysis. Based on the available evidence, the clinical significance of this variant remains unclear.

NM_001130144.3(LTBP3):c.2734C>G (p.Gln912Glu)

Gene: LTBP3 (latent transforming growth factor beta binding protein 3; minus strand). Cytogenetic location: 11q13.1.
Variant type: single nucleotide variant.
Coding change: c.2734C>G on transcript NM_001130144.3 (MANE Select); coding-DNA position 2734, C replaced by G.
Protein change: p.Gln912Glu; replaces glutamine 912 with glutamic acid.
Molecular consequence: missense variant.
Genome position (GRCh38, 1-based): chr11:65,541,285, G>C on the plus strand (C>G on the coding strand, the complement: LTBP3 is on the minus strand). VCF-style: chr11-65541285-G-C. GRCh37 (hg19) VCF-style: chr11-65308756-G-C.
Other names: c.2383C>G, p.Gln795Glu (NM_001164266.1); c.2734C>G, p.Gln912Glu (NM_021070.4); short protein forms Q912E, Q795E.
Identifiers: ClinVar variation 5023698 (VCV005023698.1).